The following is an entry in ClinVar:

NM_001036.6(RYR3):c.1650C>G (p.Asp550Glu)

Gene: RYR3 (ryanodine receptor 3; plus strand). Cytogenetic location: 15q14.
Variant type: single nucleotide variant.
Coding change: c.1650C>G on transcript NM_001036.6 (MANE Select); coding-DNA position 1650, C replaced by G.
Protein change: p.Asp550Glu; replaces aspartic acid 550 with glutamic acid.
Molecular consequence: missense variant.
Genome position (GRCh38, 1-based): chr15:33,584,471, C>G. VCF-style: chr15-33584471-C-G. GRCh37 (hg19) VCF-style: chr15-33876672-C-G.
Other names: c.1650C>G, p.Asp550Glu (NM_001243996.4); short protein forms D550E.
Identifiers: ClinVar variation 945088 (VCV000945088.9), dbSNP rs2058743774, ClinGen allele CA391571670.

ClinVar aggregate classification (germline): Uncertain significance (1 of 4 stars; one submission).

Conditions:
Epileptic encephalopathy. Identifiers: MedGen C0543888, HP:0200134.

Submission:

Labcorp Genetics (formerly Invitae), Labcorp
Classification: Uncertain significance for Epileptic encephalopathy. Last evaluated: 2020-02-21. Review status: criteria provided, single submitter. Criteria: Invitae Variant Classification Sherloc (09022015). Collection method: clinical testing. Allele origin: germline.
Comment: In summary, the available evidence is currently insufficient to determine the role of this variant in disease. Therefore, it has been classified as a Variant of Uncertain Significance. Algorithms developed to predict the effect of missense changes on protein structure and function (SIFT, PolyPhen-2, Align-GVGD) all suggest that this variant is likely to be tolerated, but these predictions have not been confirmed by published functional studies and their clinical significance is uncertain. This variant has not been reported in the literature in individuals with RYR3-related conditions. This variant is not present in population databases (ExAC no frequency). This sequence change replaces aspartic acid with glutamic acid at codon 550 of the RYR3 protein (p.Asp550Glu). The aspartic acid residue is moderately conserved and there is a small physicochemical difference between aspartic acid and glutamic acid.